The following is an entry in ClinVar:

ClinVar aggregate classification (germline): Uncertain significance (1 of 4 stars; one submission).

Conditions:
Hyperaldosteronism, familial, type IV (HALD4). Also called: FH IV; ALDOSTERONISM, PRIMARY, AND HYPERTENSION. Identifiers: Orphanet 642671, MedGen C4310756, MONDO:0014875, OMIM 617027.
Idiopathic generalized epilepsy. Also called: EIG; Generalised epilepsy. Identifiers: MedGen C0270850, MONDO:0005579, OMIM 600669.

gnomAD v4.1: 1 of 1,563,334 alleles (0.000064%); highest among the groups gnomAD compares: Admixed American, 0.0019%; no homozygotes.

Submission:

Labcorp Genetics (formerly Invitae), Labcorp
Classification: Uncertain significance for Idiopathic generalized epilepsy; Hyperaldosteronism, familial, type IV. Last evaluated: 2024-03-06. Review status: criteria provided, single submitter. Criteria: Invitae Variant Classification Sherloc (09022015). Collection method: clinical testing. Allele origin: germline.
Comment: This sequence change replaces methionine, which is neutral and non-polar, with valine, which is neutral and non-polar, at codon 923 of the CACNA1H protein (p.Met923Val). The frequency data for this variant in the population databases is considered unreliable, as metrics indicate poor data quality at this position in the gnomAD database. This variant has not been reported in the literature in individuals affected with CACNA1H-related conditions. Advanced modeling of protein sequence and biophysical properties (such as structural, functional, and spatial information, amino acid conservation, physicochemical variation, residue mobility, and thermodynamic stability) has been performed at Invitae for this missense variant, however the output from this modeling did not meet the statistical confidence thresholds required to predict the impact of this variant on CACNA1H protein function. In summary, the available evidence is currently insufficient to determine the role of this variant in disease. Therefore, it has been classified as a Variant of Uncertain Significance.

NM_021098.3(CACNA1H):c.2767A>G (p.Met923Val)

Gene: CACNA1H (calcium voltage-gated channel subunit alpha1 H; plus strand). Cytogenetic location: 16p13.3.
Variant type: single nucleotide variant.
Coding change: c.2767A>G on transcript NM_021098.3 (MANE Select); coding-DNA position 2767, A replaced by G.
Protein change: p.Met923Val; replaces methionine 923 with valine.
Molecular consequence: missense variant.
Genome position (GRCh38, 1-based): chr16:1,206,267, A>G. VCF-style: chr16-1206267-A-G. GRCh37 (hg19) VCF-style: chr16-1256267-A-G.
Other names: c.2767A>G, p.Met923Val (NM_001005407.2); short protein forms M923V.
Identifiers: ClinVar variation 3755154 (VCV003755154.2).